The following is an entry in ClinVar:

ClinVar aggregate classification (germline): Uncertain significance (1 of 4 stars; one submission).

Conditions:
Granulomatous disease, chronic, autosomal recessive, cytochrome b-negative. Also called: GRANULOMATOUS DISEASE, CHRONIC, AUTOSOMAL RECESSIVE, 4; CGD DUE TO DEFICIENCY OF THE ALPHA SUBUNIT OF CYTOCHROME b; CGD, AUTOSOMAL RECESSIVE CYTOCHROME b-NEGATIVE; CYBA DEFICIENCY; Chronic granulomatous disease, autosomal, due to deficiency of CYBA. Identifiers: Orphanet 379, MedGen C1856255, MONDO:0009308, OMIM 233690.

Submission:

Myriad Genetics, Inc.
Classification: Uncertain significance for Granulomatous disease, chronic, autosomal recessive, cytochrome b-negative. Last evaluated: 2026-06-30. Review status: criteria provided, single submitter. Criteria: Myriad Autosomal Dominant, Autosomal Recessive and X-Linked Classification Criteria (2023). Collection method: clinical testing. Allele origin: unknown.
Comment: NM_000101.3(CYBA):c.521_523delTGG(V174del) is an in-frame deletion classified as a variant of uncertain significance in the context of chronic granulomatous disease, CYBA-related. V174del has not been observed in cases with relevant disease. Relevant functional assessments of this variant are not available in the literature. V174del has been observed in referenced population frequency databases. In summary, there is insufficient evidence to classify NM_000101.3(CYBA):c.521_523delTGG(V174del) as pathogenic or benign. Please note: this variant was assessed in the context of healthy population screening.

NM_000101.4(CYBA):c.521_523del (p.Val174del)

Gene: CYBA (cytochrome b-245 alpha chain; minus strand). Cytogenetic location: 16q24.2.
Variant type: Deletion.
Coding change: c.521_523del on transcript NM_000101.4 (MANE Select); coding-DNA positions 521 to 523, 3 bases deleted (TGG; older notation c.521_523delTGG).
Protein change: p.Val174del; deletes valine 174.
Molecular consequence: inframe deletion.
Genome position (GRCh38, 1-based): chr16:88,643,418-88,643,420, CCA deleted on the plus strand (TGG on the coding strand, the reverse complement: CYBA is on the minus strand); deleting any 3 consecutive bases within chr16:88,643,418-88,643,422 gives the same sequence; the c. name uses the placement nearest the transcript's 3' end. VCF-style (leftmost placement, unchanged base first): chr16-88643417-GCCA-G. GRCh37 (hg19) VCF-style: chr16-88709825-GCCA-G.
Other names: short protein forms V174del.
Identifiers: ClinVar variation 5003291 (VCV005003291.1).
Genomic context (GRCh38, chr16:88,643,417, plus strand): 5'-ACGACCTCGTCGGTCACCGGGATGGGGTTGACCTGGGGACCTCCCGGGGGTCCCCCCGCC[GCCA>G]CCGCAGCCTCCTCCTCGCTGGGCTTCTTGCGGGCCTCGGCCGGGGGCCGCGGCGGGGGGT-3'